The following is an entry in ClinVar:

NC_000023.10:g.(?_31747728)_(31854956_?)del

Gene: DMD (dystrophin; minus strand). Cytogenetic location: Xp21.1.
Variant type: Deletion.
Identifiers: ClinVar variation 3248267 (VCV003248267.1).

ClinVar aggregate classification (germline): Pathogenic (1 of 4 stars; one submission).

Conditions:
Duchenne muscular dystrophy (DMD). Also called: MUSCULAR DYSTROPHY, PSEUDOHYPERTROPHIC PROGRESSIVE, DUCHENNE TYPE; Duchenne Muscular Dystrophy (DMD). Identifiers: Orphanet 98896, MedGen C0013264, MONDO:0010679, OMIM 310200.

Submission:

Labcorp Genetics (formerly Invitae), Labcorp
Classification: Pathogenic for Duchenne muscular dystrophy. Last evaluated: 2024-01-02. Review status: criteria provided, single submitter. Criteria: Invitae Variant Classification Sherloc (09022015). Collection method: clinical testing. Allele origin: unknown.
Comment: This variant is a gross deletion of the genomic region encompassing exon(s) 49-52 of the DMD gene. This deletion is out-of-frame, and is expected to create a premature termination codon and result in an absent or disrupted protein product. Loss-of-function variants in DMD are known to be pathogenic (PMID: 16770791, 25007885). A similar copy number variant has been observed in individuals with DMD-related muscular dystrophy (PMID: 11409318, 15723292, 18663755, 18683213, 22510846, 27206868). For these reasons, this variant has been classified as Pathogenic.

Literature cited by the submitters: PubMed 16770791; PubMed 25007885; PubMed 11409318; PubMed 15723292; PubMed 18663755; PubMed 18683213; PubMed 22510846; PubMed 27206868.